The following is an entry in ClinVar:

ClinVar aggregate classification (germline): Pathogenic (1 of 4 stars; one submission).

Conditions:
Cornelia de Lange syndrome 5 (CDLS5). Also called: HDAC8-Related Cornelia de Lange Syndrome. Identifiers: Orphanet 199, MedGen C3550903, MONDO:0010471, OMIM 300882.

Submission:

Labcorp Genetics (formerly Invitae), Labcorp
Classification: Pathogenic for Cornelia de Lange syndrome 5. Last evaluated: 2018-06-20. Review status: criteria provided, single submitter. Criteria: Invitae Variant Classification Sherloc (09022015). Collection method: clinical testing. Allele origin: germline.
Comment: Nucleotide substitutions within the consensus splice site are a relatively common cause of aberrant splicing (PMID: 17576681, 9536098). Algorithms developed to predict the effect of sequence changes on RNA splicing suggest that this variant may disrupt the consensus splice site, but this prediction has not been confirmed by published transcriptional studies. For these reasons, this variant has been classified as Pathogenic. This variant has been observed to be de novo in an individual affected with Cornelia de Lange syndrome (Invitae). This variant is not present in population databases (ExAC no frequency). This sequence change falls in intron 2 of the HDAC8 gene. It does not directly change the encoded amino acid sequence of the HDAC8 protein, but it affects a nucleotide within the consensus splice site of the intron.

Literature cited by the submitters: PubMed 17576681; PubMed 9536098.

NM_018486.3(HDAC8):c.164+2dup

Gene: HDAC8 (histone deacetylase 8; minus strand). Cytogenetic location: Xq13.1.
Variant type: Duplication.
Coding change: c.164+2dup on transcript NM_018486.3 (MANE Select); the canonical splice donor site of the intron after coding-DNA position 164, one base duplicated (T; older notation c.164+2dupT).
Molecular consequence: splice donor variant.
Genome position (GRCh38, 1-based): chrX:72,572,055, A duplicated on the plus strand (T on the coding strand, the reverse complement: HDAC8 is on the minus strand). VCF-style (leftmost placement, unchanged base first): chrX-72572054-T-TA. GRCh37 (hg19) VCF-style: chrX-71791904-T-TA.
Other names: c.164+2dup (NM_001166418.2, NM_001166448.2, NM_001166419.2 and 2 more transcripts).
Identifiers: ClinVar variation 1072722 (VCV001072722.9), dbSNP rs2147614590, ClinGen allele CA2499226849.
Genomic context (GRCh38, chrX:72,572,054, plus strand): 5'-GAAGCAGGATATTAAGGCTACGAACACCTAGCTTCAGGGCTATGTTCAAGAAAGACAACT[T>TA]ACCTCATCTGCTTATGCAGTGCATATGCTTCAATCAAAGAATGCACCATACTGGCCTAAA-3'